The following is an entry in ClinVar:

NM_015030.2(FRYL):c.1335+3A>G

Gene: FRYL (FRY like transcription coactivator; minus strand). Cytogenetic location: 4p11.
Variant type: single nucleotide variant.
Coding change: c.1335+3A>G on transcript NM_015030.2 (MANE Select); 3 bases into the intron after coding-DNA position 1335, A replaced by G.
Molecular consequence: intron variant.
Genome position (GRCh38, 1-based): chr4:48,593,927, T>C on the plus strand (A>G on the coding strand, the complement: FRYL is on the minus strand). VCF-style: chr4-48593927-T-C. GRCh37 (hg19) VCF-style: chr4-48595944-T-C.
Identifiers: ClinVar variation 3372441 (VCV003372441.1).

ClinVar aggregate classification (germline): Uncertain significance (1 of 4 stars; one submission).

Submission:

GeneDx
Classification: Uncertain significance. Last evaluated: 2024-04-11. Review status: criteria provided, single submitter. Criteria: GeneDx Variant Classification Process June 2021. Collection method: clinical testing. Allele origin: germline. Affected: yes.
Comment: Not observed at significant frequency in large population cohorts (gnomAD); In silico analysis supports a deleterious effect on splicing; Has not been previously published as pathogenic or benign to our knowledge